The following is an entry in ClinVar:

NM_005359.6(SMAD4):c.82C>A (p.Gln28Lys)

Gene: SMAD4 (SMAD family member 4; plus strand). Cytogenetic location: 18q21.2.
Variant type: single nucleotide variant.
Coding change: c.82C>A on transcript NM_005359.6 (MANE Select); coding-DNA position 82, C replaced by A.
Protein change: p.Gln28Lys; replaces glutamine 28 with lysine.
Molecular consequence: missense variant.
Genome position (GRCh38, 1-based): chr18:51,047,128, C>A. VCF-style: chr18-51047128-C-A. GRCh37 (hg19) VCF-style: chr18-48573498-C-A.
Other names: short protein forms Q28K.
Identifiers: ClinVar variation 1347706 (VCV001347706.8), dbSNP rs2144400785, ClinGen allele CA402457539.
Genomic context (GRCh38, chr18:51,047,128, plus strand): 5'-AATACACCAACAAGTAATGATGCCTGTCTGAGCATTGTGCATAGTTTGATGTGCCATAGA[C>A]AAGGTGGAGAGAGTGAAACATTTGCAAAAAGAGCAATTGAAAGTTTGGTAAAGAAGCTGA-3'
Protein context (NP_005350.1, residues 18-38): SIVHSLMCHR[Gln28Lys]GGESETFAKR

ClinVar aggregate classification (germline): Uncertain significance (1 of 4 stars; one submission).

Conditions:
Juvenile polyposis syndrome (JPS). Identifiers: Orphanet 2929, MedGen C0345893, MONDO:0017380, OMIM 174900.

Submission:

Labcorp Genetics (formerly Invitae), Labcorp
Classification: Uncertain significance for Juvenile polyposis syndrome. Last evaluated: 2020-11-15. Review status: criteria provided, single submitter. Criteria: Invitae Variant Classification Sherloc (09022015). Collection method: clinical testing. Allele origin: germline.
Comment: In summary, the available evidence is currently insufficient to determine the role of this variant in disease. Therefore, it has been classified as a Variant of Uncertain Significance. Advanced modeling of protein sequence and biophysical properties (such as structural, functional, and spatial information, amino acid conservation, physicochemical variation, residue mobility, and thermodynamic stability) performed at Invitae indicates that this missense variant is expected to disrupt SMAD4 protein function. This variant has not been reported in the literature in individuals with SMAD4-related conditions. This variant is not present in population databases (ExAC no frequency). This sequence change replaces glutamine with lysine at codon 28 of the SMAD4 protein (p.Gln28Lys). The glutamine residue is highly conserved and there is a small physicochemical difference between glutamine and lysine.